The following is an entry in ClinVar:

NM_000089.4(COL1A2):c.1586G>A (p.Gly529Asp)

Gene: COL1A2 (collagen type I alpha 2 chain; plus strand). Cytogenetic location: 7q21.3.
Variant type: single nucleotide variant.
Coding change: c.1586G>A on transcript NM_000089.4 (MANE Select); coding-DNA position 1586, G replaced by A.
Protein change: p.Gly529Asp; replaces glycine 529 with aspartic acid.
Molecular consequence: missense variant.
Genome position (GRCh38, 1-based): chr7:94,413,718, G>A. VCF-style: chr7-94413718-G-A. GRCh37 (hg19) VCF-style: chr7-94043030-G-A.
Other names: short protein forms G529D.
Identifiers: ClinVar variation 3759118 (VCV003759118.2).

ClinVar aggregate classification (germline): Pathogenic (1 of 4 stars; one submission).

Conditions:
Ehlers-Danlos syndrome, classic type, 1 (EDSCL1). Also called: EHLERS-DANLOS SYNDROME, GRAVIS TYPE; EHLERS-DANLOS SYNDROME, SEVERE CLASSIC TYPE; Ehlers-Danlos syndrome, type 1; Ehlers-Danlos Syndrome, Classic Type, COL5A1-Related; EDS I. Identifiers: MedGen C0268335, MONDO:0019567, OMIM 130000.
Osteogenesis imperfecta type I (OI1). Also called: OI, TYPE I; OSTEOGENESIS IMPERFECTA TARDA; OSTEOGENESIS IMPERFECTA WITH BLUE SCLERAE; Osteogenesis imperfecta type 1; Lobstein's Disease; Lobstein disease. Identifiers: Orphanet 216796, Orphanet 666, MedGen C0023931, MONDO:0008146, OMIM 166200. Disease mechanism: loss of function.

Submission:

Labcorp Genetics (formerly Invitae), Labcorp
Classification: Pathogenic for Osteogenesis imperfecta type I; Ehlers-Danlos syndrome, classic type, 1. Last evaluated: 2025-02-13. Review status: criteria provided, single submitter. Criteria: Invitae Variant Classification Sherloc (09022015). Collection method: clinical testing. Allele origin: germline.
Comment: This sequence change replaces glycine, which is neutral and non-polar, with aspartic acid, which is acidic and polar, at codon 529 of the COL1A2 protein (p.Gly529Asp). This variant is not present in population databases (gnomAD no frequency). This missense change has been observed in individual(s) with osteogenesis imperfecta type I (PMID: 27509835, 28725987). Invitae Evidence Modeling of protein sequence and biophysical properties (such as structural, functional, and spatial information, amino acid conservation, physicochemical variation, residue mobility, and thermodynamic stability) indicates that this missense variant is expected to disrupt COL1A2 protein function with a positive predictive value of 95%. This variant disrupts the triple helix domain of COL1A2. Glycine residues within the Gly-Xaa-Yaa repeats of the triple helix domain are required for the structure and stability of fibrillar collagens (PMID: 7695699, 8218237, 19344236). In COL1A2, variants affecting these glycine residues are significantly enriched in individuals with disease (PMID: 9016532, 17078022) compared to the general population (ExAC). For these reasons, this variant has been classified as Pathogenic.

Literature cited by the submitters: PubMed 27509835; PubMed 28725987; PubMed 7695699; PubMed 8218237; PubMed 19344236; PubMed 9016532; PubMed 17078022.